The following is an entry in ClinVar:

NM_016222.4(DDX41):c.263T>A (p.Leu88Gln)

Gene: DDX41 (DEAD-box helicase 41; minus strand). Cytogenetic location: 5q35.3.
Variant type: single nucleotide variant.
Coding change: c.263T>A on transcript NM_016222.4 (MANE Select); coding-DNA position 263, T replaced by A.
Protein change: p.Leu88Gln; replaces leucine 88 with glutamine.
Molecular consequence: missense variant. On other transcripts: 5 prime UTR variant (2).
Genome position (GRCh38, 1-based): chr5:177,516,323, A>T on the plus strand (T>A on the coding strand, the complement: DDX41 is on the minus strand). VCF-style: chr5-177516323-A-T. GRCh37 (hg19) VCF-style: chr5-176943324-A-T.
Other names: c.-116T>A (NM_001321732.2, NM_001321830.2); short protein forms L88Q.
Identifiers: ClinVar variation 4010372 (VCV004010372.1).

ClinVar aggregate classification (germline): Uncertain significance (1 of 4 stars; one submission).

Conditions:
Inborn genetic diseases. Identifiers: MedGen C0950123, MeSH D030342.

Submission:

Ambry Genetics
Classification: Uncertain significance for Inborn genetic diseases. Last evaluated: 2025-05-31. Review status: criteria provided, single submitter. Criteria: Ambry Variant Classification Scheme 2023. Collection method: clinical testing. Allele origin: germline.
Comment: The p.L88Q variant (also known as c.263T>A), located in coding exon 3 of the DDX41 gene, results from a T to A substitution at nucleotide position 263. The leucine at codon 88 is replaced by glutamine, an amino acid with dissimilar properties. This amino acid position is conserved. In addition, this alteration is predicted to be deleterious by in silico analysis. Based on the available evidence, the clinical significance of this variant remains unclear.